The following is an entry in ClinVar:

ClinVar aggregate classification (germline): Likely benign (0 of 4 stars; one submission).

Conditions:
MED13L-related disorder. Also called: MED13L-related condition.

Submission:

PreventionGenetics, part of Exact Sciences
Classification: Likely benign for MED13L-related condition. Last evaluated: 2019-12-16. Review status: no assertion criteria provided. Collection method: clinical testing. Allele origin: germline.
Comment: This variant is classified as likely benign based on ACMG/AMP sequence variant interpretation guidelines (Richards et al. 2015 PMID: 25741868, with internal and published modifications).

NM_015335.5(MED13L):c.2013-7_2013-6del

Gene: MED13L (mediator complex subunit 13L; minus strand). Cytogenetic location: 12q24.21.
Variant type: Deletion.
Coding change: c.2013-7_2013-6del on transcript NM_015335.5 (MANE Select); 7 bases into the intron before coding-DNA position 2013 through 6 bases into the intron before coding-DNA position 2013, 2 bases deleted (CT; older notation c.2013-7_2013-6delCT).
Molecular consequence: intron variant.
Genome position (GRCh38, 1-based): chr12:116,007,642-116,007,643, AG deleted on the plus strand (CT on the coding strand, the reverse complement: MED13L is on the minus strand); deleting any 2 consecutive bases within chr12:116,007,642-116,007,644 gives the same sequence; the c. name uses the placement nearest the transcript's 3' end. VCF-style (leftmost placement, unchanged base first): chr12-116007641-AAG-A. GRCh37 (hg19) VCF-style: chr12-116445446-AAG-A.
Identifiers: ClinVar variation 3049062 (VCV003049062.2), dbSNP rs2137379598, ClinGen allele CA952184995.